The following is an entry in ClinVar:

ClinVar aggregate classification (germline): Uncertain significance (1 of 4 stars; one submission).

Submission:

Labcorp Genetics (formerly Invitae), Labcorp
Classification: Uncertain significance. Last evaluated: 2024-03-22. Review status: criteria provided, single submitter. Criteria: Invitae Variant Classification Sherloc (09022015). Collection method: clinical testing. Allele origin: germline.
Comment: This sequence change replaces threonine, which is neutral and polar, with serine, which is neutral and polar, at codon 331 of the CHRM2 protein (p.Thr331Ser). This variant is not present in population databases (gnomAD no frequency). This variant has not been reported in the literature in individuals affected with CHRM2-related conditions. An algorithm developed to predict the effect of missense changes on protein structure and function (PolyPhen-2) suggests that this variant is likely to be tolerated. In summary, the available evidence is currently insufficient to determine the role of this variant in disease. Therefore, it has been classified as a Variant of Uncertain Significance.

NM_001006630.2(CHRM2):c.992C>G (p.Thr331Ser)

Genes: CHRM2 (cholinergic receptor muscarinic 2; plus strand), LOC349160 (uncharacterized LOC349160; minus strand). Cytogenetic location: 7q33.
Variant type: single nucleotide variant.
Coding change: c.992C>G on transcript NM_001006630.2 (MANE Select); coding-DNA position 992, C replaced by G.
Protein change: p.Thr331Ser; replaces threonine 331 with serine.
Molecular consequence: missense variant.
Genome position (GRCh38, 1-based): chr7:137,015,857, C>G. VCF-style: chr7-137015857-C-G. GRCh37 (hg19) VCF-style: chr7-136700604-C-G.
Other names: c.992C>G, p.Thr331Ser (NM_000739.3, NM_001006626.3, NM_001006627.3 and 6 more transcripts); short protein forms T331S.
Identifiers: ClinVar variation 3667730 (VCV003667730.2).